The following is an entry in ClinVar:

NM_020458.4(TTC7A):c.1196T>C (p.Leu399Pro)

Gene: TTC7A (tetratricopeptide repeat domain 7A; plus strand). Cytogenetic location: 2p21.
Variant type: single nucleotide variant.
Coding change: c.1196T>C on transcript NM_020458.4 (MANE Select); coding-DNA position 1196, T replaced by C.
Protein change: p.Leu399Pro; replaces leucine 399 with proline.
Molecular consequence: missense variant.
Genome position (GRCh38, 1-based): chr2:47,006,052, T>C. VCF-style: chr2-47006052-T-C. GRCh37 (hg19) VCF-style: chr2-47233191-T-C.
Other names: c.1196T>C, p.Leu399Pro (NM_001288951.2); c.1094T>C, p.Leu365Pro (NM_001288953.2); c.134T>C, p.Leu45Pro (NM_001288955.2); short protein forms L399P, L45P, L365P.
Identifiers: ClinVar variation 1392089 (VCV001392089.6), dbSNP rs2104453742, ClinGen allele CA346714329.

ClinVar aggregate classification (germline): Uncertain significance (1 of 4 stars; one submission).

Conditions:
Multiple gastrointestinal atresias. Also called: Multiple intestinal atresia; FAMILIAL INTESTINAL POLYATRESIA SYNDROME. Identifiers: Orphanet 2300, MedGen C0220744, MONDO:0009465.

gnomAD v4.1: 3 of 1,612,646 alleles (0.00019%); highest among the groups gnomAD compares: Non-Finnish European, 0.00025%; no homozygotes.

Submission:

Labcorp Genetics (formerly Invitae), Labcorp
Classification: Uncertain significance for Multiple gastrointestinal atresias. Last evaluated: 2021-10-09. Review status: criteria provided, single submitter. Criteria: Invitae Variant Classification Sherloc (09022015). Collection method: clinical testing. Allele origin: germline.
Comment: In summary, the available evidence is currently insufficient to determine the role of this variant in disease. Therefore, it has been classified as a Variant of Uncertain Significance. Algorithms developed to predict the effect of missense changes on protein structure and function are either unavailable or do not agree on the potential impact of this missense change (SIFT: "Deleterious"; PolyPhen-2: "Probably Damaging"; Align-GVGD: "Class C0"). This missense change has been observed in individual(s) with combined immunodeficiency with multiple intestinal atresias (PMID: 23830146). This variant is not present in population databases (gnomAD no frequency). This sequence change replaces leucine, which is neutral and non-polar, with proline, which is neutral and non-polar, at codon 399 of the TTC7A protein (p.Leu399Pro).

Literature cited by the submitters: PubMed 23830146.